The following is an entry in ClinVar:

ClinVar aggregate classification (germline): Pathogenic/Likely pathogenic. Review status: criteria provided, multiple submitters, no conflicts (2 of 4 stars). 3 submissions from 3 submitters: Pathogenic (1); Likely pathogenic (2). Last evaluated 2025-04-25.

Conditions:
Charcot-Marie-Tooth Neuropathy X. Identifiers: MedGen CN118851.
Charcot-Marie-Tooth disease X-linked dominant 1. Also called: CHARCOT-MARIE-TOOTH NEUROPATHY, X-LINKED, 1; CHARCOT-MARIE-TOOTH PERONEAL MUSCULAR ATROPHY, X-LINKED; X-linked Charcot-Marie-Tooth disease type 1; GJB1 Disorders: Charcot-Marie-Tooth Neuropathy (CMT1X) and Central Nervous System Phenotypes; HEREDITARY MOTOR AND SENSORY NEUROPATHY, X-LINKED; HMSN, X-LINKED. Identifiers: Orphanet 101075, MedGen C0393808, MONDO:0010549, OMIM 302800.

Submissions (3):

Women's Health and Genetics/Laboratory Corporation of America, LabCorp
Classification: Likely pathogenic for Charcot-Marie-Tooth disease X-linked dominant 1. Last evaluated: 2025-04-25. Review status: criteria provided, single submitter. Criteria: LabCorp Variant Classification Summary - May 2015. Collection method: clinical testing. Allele origin: germline.
Comment: Variant summary: GJB1 c.52A>T (p.Thr18Ser) results in a conservative amino acid change in the encoded protein sequence. Four of five in-silico tools predict a damaging effect of the variant on protein function. The variant was absent in 183023 control chromosomes. To our knowledge, no occurrence of c.52A>T in individuals affected with Charcot-Marie-Tooth disease X-linked dominant 1 and no experimental evidence demonstrating its impact on protein function have been reported. A different c. variant with the same protein effect (c.53C>G, p.Thr18Ser) has been observed de novo in at least 1 individual with clinical features of GJB1-related conditions and is classified as likely pathogenic/pathogenic at Labcorp (internal data). ClinVar contains an entry for this variant (Variation ID: 2076285). Based on the evidence outlined above, the variant was classified as likely pathogenic.

Fulgent Genetics
Classification: Likely pathogenic for Charcot-Marie-Tooth disease X-linked dominant 1. Last evaluated: 2024-03-05. Review status: criteria provided, single submitter. Criteria: ACMG Guidelines, 2015. Collection method: clinical testing. Allele origin: germline.

Labcorp Genetics (formerly Invitae), Labcorp
Classification: Pathogenic for Charcot-Marie-Tooth Neuropathy X. Last evaluated: 2023-10-03. Review status: criteria provided, single submitter. Criteria: Invitae Variant Classification Sherloc (09022015). Collection method: clinical testing. Allele origin: germline.
Comment: This sequence change replaces threonine, which is neutral and polar, with serine, which is neutral and polar, at codon 18 of the GJB1 protein (p.Thr18Ser). This variant is not present in population databases (gnomAD no frequency). A different variant (c.53C>G) giving rise to the same protein effect has been determined to be pathogenic (Invitae). This suggests that this variant is also likely to be causative of disease. ClinVar contains an entry for this variant (Variation ID: 2076285). Advanced modeling of protein sequence and biophysical properties (such as structural, functional, and spatial information, amino acid conservation, physicochemical variation, residue mobility, and thermodynamic stability) performed at Invitae indicates that this missense variant is expected to disrupt GJB1 protein function. For these reasons, this variant has been classified as Pathogenic.

NM_000166.6(GJB1):c.52A>T (p.Thr18Ser)

Gene: GJB1 (gap junction protein beta 1; plus strand). Cytogenetic location: Xq13.1.
Variant type: single nucleotide variant.
Coding change: c.52A>T on transcript NM_000166.6 (MANE Select); coding-DNA position 52, A replaced by T.
Protein change: p.Thr18Ser; replaces threonine 18 with serine.
Molecular consequence: missense variant.
Genome position (GRCh38, 1-based): chrX:71,223,759, A>T. VCF-style: chrX-71223759-A-T. GRCh37 (hg19) VCF-style: chrX-70443609-A-T.
Other names: c.52A>T, p.Thr18Ser (NM_001097642.3); short protein forms T18S.
Identifiers: ClinVar variation 2076285 (VCV002076285.9), dbSNP rs1555937012, ClinGen allele CA413500633.